The following is an entry in ClinVar:

ClinVar aggregate classification (germline): Uncertain significance. Review status: criteria provided, multiple submitters, no conflicts (2 of 4 stars). 2 submissions from 2 submitters: Uncertain significance (2). Last evaluated 2024-12-27.

Conditions:
Hereditary cancer-predisposing syndrome. Also called: Hereditary Cancer Syndrome; Neoplastic Syndromes, Hereditary; Tumor predisposition; Hereditary neoplastic syndrome. Identifiers: Orphanet 140162, MedGen C0027672, MeSH D009386, MONDO:0015356.
Ataxia-telangiectasia syndrome (AT). Also called: Cerebello-oculocutaneous telangiectasia; Immunodeficiency with ataxia telangiectasia; Ataxia-telangiectasia, complementation group E; Ataxia-telangiectasia, complementation group D; AT, COMPLEMENTATION GROUP C; ATAXIA-TELANGIECTASIA, COMPLEMENTATION GROUP A. Identifiers: Orphanet 100, MedGen C0004135, MONDO:0008840, OMIM 208900.

Submissions (2):

Ambry Genetics
Classification: Uncertain significance for Hereditary cancer-predisposing syndrome. Last evaluated: 2024-12-27. Review status: criteria provided, single submitter. Criteria: Ambry Variant Classification Scheme 2023. Collection method: clinical testing. Allele origin: germline.
Comment: The p.Y2514H variant (also known as c.7540T>C), located in coding exon 50 of the ATM gene, results from a T to C substitution at nucleotide position 7540. The tyrosine at codon 2514 is replaced by histidine, an amino acid with similar properties. This amino acid position is well conserved in available vertebrate species. In addition, this alteration is predicted to be tolerated by in silico analysis. Based on the available evidence, the clinical significance of this variant remains unclear.

Labcorp Genetics (formerly Invitae), Labcorp
Classification: Uncertain significance for Ataxia-telangiectasia syndrome. Last evaluated: 2023-08-23. Review status: criteria provided, single submitter. Criteria: Invitae Variant Classification Sherloc (09022015). Collection method: clinical testing. Allele origin: germline.
Comment: This sequence change replaces tyrosine, which is neutral and polar, with histidine, which is basic and polar, at codon 2514 of the ATM protein (p.Tyr2514His). This variant is not present in population databases (gnomAD no frequency). This variant has not been reported in the literature in individuals affected with ATM-related conditions. ClinVar contains an entry for this variant (Variation ID: 524263). An algorithm developed to predict the effect of missense changes on protein structure and function (PolyPhen-2) suggests that this variant is likely to be tolerated. In summary, the available evidence is currently insufficient to determine the role of this variant in disease. Therefore, it has been classified as a Variant of Uncertain Significance.

NM_000051.4(ATM):c.7540T>C (p.Tyr2514His)

Genes: ATM (ATM serine/threonine kinase; plus strand), C11orf65 (chromosome 11 open reading frame 65; minus strand). Cytogenetic location: 11q22.3.
Variant type: single nucleotide variant.
Coding change: c.7540T>C on transcript NM_000051.4 (MANE Select); coding-DNA position 7540, T replaced by C.
Protein change: p.Tyr2514His; replaces tyrosine 2514 with histidine.
Molecular consequence: missense variant. On other transcripts: non-coding transcript variant (1), intron variant (2).
Genome position (GRCh38, 1-based): chr11:108,331,468, T>C. VCF-style: chr11-108331468-T-C. GRCh37 (hg19) VCF-style: chr11-108202195-T-C.
Other names: c.7540T>C, p.Tyr2514His (NM_001351834.2); c.641-22397A>G (NM_001330368.2); c.*38+3752A>G (NM_001351110.2); short protein forms Y2514H.
Identifiers: ClinVar variation 524263 (VCV000524263.12), dbSNP rs1555123985, ClinGen allele CA382560682.